The following is an entry in ClinVar:

NM_017654.4(SAMD9):c.3640A>C (p.Ile1214Leu)

Gene: SAMD9 (sterile alpha motif domain containing 9; minus strand). Cytogenetic location: 7q21.2.
Variant type: single nucleotide variant.
Coding change: c.3640A>C on transcript NM_017654.4 (MANE Select); coding-DNA position 3640, A replaced by C.
Protein change: p.Ile1214Leu; replaces isoleucine 1214 with leucine.
Molecular consequence: missense variant.
Genome position (GRCh38, 1-based): chr7:93,102,458, T>G on the plus strand (A>C on the coding strand, the complement: SAMD9 is on the minus strand). VCF-style: chr7-93102458-T-G. GRCh37 (hg19) VCF-style: chr7-92731771-T-G.
Other names: c.3640A>C, p.Ile1214Leu (NM_001193307.2); short protein forms I1214L.
Identifiers: ClinVar variation 3949554 (VCV003949554.1).
Genomic context (GRCh38, chr7:93,102,458, plus strand): 5'-CTGATACAAAATTGACCATATATCTTTTAGATAGCTCATTTTTATTATCAAAAAAAGGAA[T>G]GAGCTGGAGAATTTGGATTGTGTAAAGCCCAACTTCTATCTCTCCTTGATAACCAGCTAT-3'
Protein context (NP_060124.2, residues 1204-1224): GLYTIQILQL[Ile1214Leu]PFFDNKNELS

ClinVar aggregate classification (germline): Uncertain significance (1 of 4 stars; one submission).

Conditions:
Inborn genetic diseases. Identifiers: MedGen C0950123, MeSH D030342.

Submission:

Ambry Genetics
Classification: Uncertain significance for Inborn genetic diseases. Last evaluated: 2025-04-17. Review status: criteria provided, single submitter. Criteria: Ambry Variant Classification Scheme 2023. Collection method: clinical testing. Allele origin: germline.
Comment: The p.I1214L variant (also known as c.3640A>C), located in coding exon 1 of the SAMD9 gene, results from an A to C substitution at nucleotide position 3640. The isoleucine at codon 1214 is replaced by leucine, an amino acid with highly similar properties. This amino acid position is conserved. In addition, this alteration is predicted to be tolerated by in silico analysis. Based on the available evidence, the clinical significance of this variant remains unclear.